The following continues an entry in ClinVar:

NM_006005.3(WFS1):c.2051C>T (p.Ala684Val)

Gene: WFS1. ClinVar aggregate classification (germline): Pathogenic/Likely pathogenic. Pathogenic (21); Likely pathogenic (3).

Submissions 8 to 22 of 32:

Ambry Genetics
Classification: Pathogenic for Inborn genetic diseases. Last evaluated: 2024-07-05. Review status: criteria provided, single submitter. Criteria: Ambry Variant Classification Scheme 2023. Collection method: clinical testing. Allele origin: germline.
Comment: The c.2051C>T (p.A684V) alteration is located in exon 8 (coding exon 7) of the WFS1 gene. This alteration results from a C to T substitution at nucleotide position 2051, causing the alanine (A) at amino acid position 684 to be replaced by a valine (V). The WFS1 c.2051C>T alteration was flagged as a low confidence call in the Genome Aggregation Database (gnomAD). This variant has been reported to segregate in members from multiple families with features consistent with autosomal dominant Wolfram-like syndrome (Rendtorff, 2011); This variant has been identified in the homozygous state and/or in conjunction with other WFS1 variant(s) in individual(s) with features consistent with autosomal recessive WFS1-related Wolfram syndrome; in at least one instance, the variants were identified in trans (Tessa, 2001; Rendtorff, 2011). Another alteration at the same codon, c.2050G>A (p.A684T), has been described in individuals with autosomal recessive WFS1-related Wolfram syndrome (Waschbisch, 2011; Xavier, 2016). This amino acid position is highly conserved in available vertebrate species. Experimental evidence demonstrated reduced protein expression associated with this variant (Rendtorff, 2011). This alteration is predicted to be deleterious by in silico analysis. Based on the available evidence, this alteration is classified as pathogenic.

Women's Health and Genetics/Laboratory Corporation of America, LabCorp
Classification: Pathogenic for Wolfram syndrome 1. Last evaluated: 2024-05-22. Review status: criteria provided, single submitter. Criteria: LabCorp Variant Classification Summary - May 2015. Collection method: clinical testing. Allele origin: germline.
Comment: Variant summary: WFS1 c.2051C>T (p.Ala684Val) results in a non-conservative amino acid change located in the Wolframin, cysteine-rich domain (IPR045400) of the encoded protein sequence. Five of five in-silico tools predict a damaging effect of the variant on protein function. The frequency data for this variant in gnomAD is considered unreliable, as metrics indicate poor data quality at this position. c.2051C>T has been reported in the literature in multiple individuals affected with optic atrophy and hearing impairment or Wolfram Syndrome 1, including at least one de novo case (Rendtorff_2011, Baker_2019). In addition, this variant was co-segregated with disease in multiple families (Rendtorff_2011). These data indicate that the variant is very likely to be associated with disease. At least one publication reports experimental evidence evaluating an impact on protein function (Rendtorff_2011). The following publications have been ascertained in the context of this evaluation (PMID: 30577886, 21538838). ClinVar contains an entry for this variant (Variation ID: 30556). Based on the evidence outlined above, the variant was classified as pathogenic.

Clinical Genetics Laboratory, Skane University Hospital Lund
Classification: Pathogenic. Last evaluated: 2024-03-19. Review status: criteria provided, single submitter. Criteria: ACMG Guidelines, 2015. Collection method: clinical testing. Allele origin: germline. Affected: yes.

CeGaT Center for Human Genetics Tuebingen
Classification: Pathogenic. Last evaluated: 2024-01-01. Review status: criteria provided, single submitter. Criteria: CeGaT Center For Human Genetics Tuebingen Variant Classification Criteria Version 2. Collection method: clinical testing. Allele origin: germline. Affected: yes. Observed: 1 variant allele.
Comment: WFS1: PS2:Very Strong, PP1:Strong, PM2, PM5, PS4:Moderate, PS3:Supporting

Blueprint Genetics
Classification: Pathogenic for WFS1-related disorders. Last evaluated: 2023-12-05. Review status: criteria provided, single submitter. Criteria: ACMG Guidelines, 2015. Collection method: clinical testing. Allele origin: germline. Affected: yes. Observed: 5 variant alleles.

Institute of Human Genetics, Univ. Regensburg, Univ. Regensburg
Classification: Pathogenic for Optic atrophy. Last evaluated: 2023-01-01. Review status: criteria provided, single submitter. Criteria: ACMG Guidelines, 2015. Collection method: clinical testing. Allele origin: germline. Affected: yes.

3billion
Classification: Pathogenic for Autosomal dominant nonsyndromic hearing loss 6. Last evaluated: 2022-05-22. Review status: criteria provided, single submitter. Criteria: ACMG Guidelines, 2015. Collection method: clinical testing. Allele origin: germline. Affected: yes. Observed: 1 heterozygote.
Comment: The variant is not observed in the gnomAD v2.1.1 dataset. Missense changes are a common disease-causing mechanism. In silico tool predictions suggest damaging effect of the variant on gene or gene product (REVEL: 0.89; 3Cnet: 0.86). Same nucleotide change resulting in same amino acid change has been previously reported as pathogenic/likely pathogenic with strong evidence (ClinVar ID: VCV000030556). The variant has been previously reported as assumed (i.e. paternity and maternity not confirmed) de novo in at least one similarly affected unrelated individual (PMID: 29529044). A different missense change at the same codon (p.Ala684Thr) has been reported to be associated with WFS1 related disorder (PMID: 20875904). Therefore, this variant is classified as pathogenic according to the recommendation of ACMG/AMP guideline.

Greenwood Genetic Center Diagnostic Laboratories, Greenwood Genetic Center
Classification: Pathogenic for WFS1-related disorder. Last evaluated: 2022-04-29. Review status: criteria provided, single submitter. Criteria: ACMG Guidelines, 2015. Collection method: clinical testing. Allele origin: germline. Affected: yes.
Comment: PS2, PS3, PS4, PM2, PP1, PP3

GeneDx
Classification: Pathogenic. Last evaluated: 2021-11-30. Review status: criteria provided, single submitter. Criteria: GeneDx Variant Classification Process June 2021. Collection method: clinical testing. Allele origin: germline. Affected: yes.
Comment: Published functional studies of the A684V variant in HEK cells showed reduced protein levels compared to wild-type wolframin, strongly indication that the variant in disease-causing (Rendtorff et al., 2011); In silico analysis supports that this missense variant does not alter protein structure/function; Not observed in large population cohorts (gnomAD); This variant is associated with the following publications: (PMID: 28432734, 29529044, 21067485, 21538838, 11295831, 28468959, 12022290, 26435059, 22238590, 26875006, 30577886, 32567228, 33098801, 33841295, 32645618)

Center of Genomic medicine, Geneva, University Hospital of Geneva
Classification: Pathogenic for Wolfram-like syndrome. Last evaluated: 2019-09-13. Review status: criteria provided, single submitter. Criteria: ACMG Guidelines, 2015. Collection method: clinical testing. Allele origin: de novo. Affected: yes. Observed: 1 variant allele.

Athena Diagnostics
Classification: Pathogenic. Last evaluated: 2019-07-16. Review status: criteria provided, single submitter. Criteria: Athena Diagnostics Criteria. Collection method: clinical testing. Allele origin: germline.
Comment: The best available variant frequency is uninformative because there are too few occurrences in population data. Found in at least one symptomatic patient. Predicted to have a damaging effect on the protein. The gain of a new splice site is predicted. Occurs in three or more cases with a recessive pathogenic variant in the same gene. Damaging to protein function(s) relevant to disease mechanism. Moderate co-segregation with disease, and data include affected and unaffected individuals from multiple families.

Eurofins Ntd Llc (ga)
Classification: Pathogenic. Last evaluated: 2018-08-22. Review status: criteria provided, single submitter. Criteria: EGL ClinVar v180209 classification definitions. Collection method: clinical testing. Allele origin: germline. Observed: 1 variant allele, 1 heterozygote.

Institute of Human Genetics Munich, TUM University Hospital
Classification: Pathogenic for Wolfram-like syndrome. Last evaluated: 2017-10-13. Review status: criteria provided, single submitter. Criteria: Classification criteria August 2017. Collection method: clinical testing. Allele origin: de novo, germline. Inheritance: Autosomal dominant inheritance. Affected: yes. Observed: 2 heterozygotes.

Laboratory for Molecular Medicine, Mass General Brigham Personalized Medicine
Classification: Pathogenic for Rare genetic deafness; Wolfram syndrome. Last evaluated: 2017-03-26. Review status: criteria provided, single submitter. Criteria: LMM Criteria. Collection method: clinical testing. Allele origin: germline. Inheritance: Autosomal dominant inheritance. Observed: 1 variant allele.
Comment: The p.Ala684Val variant in WFS1 has been reported in 6 individuals with autosoma l dominant Wolfram-like syndrome (hearing loss and optic atrophy) and segregated in >10 affected family members across 4 different families (Rendtoff 2011, Maja nder 2016). In one of these families, a sib-pair presented with clinical feature s of autosomal recessive Wolfram syndrome (juvenile-onset diabetes mellitus, opt ic atrophy, bilateral profound sensorineural hearing loss from birth or infancy, and congenital cataracts), and were found to carry the p.Ala684Val in compound heterozygosity with a second WFS1 variant (p.Val415del). The p.Ala684Val variant was inherited from their father, who had Wolfram-like features, and the other v ariant was inherited from their mother who was unaffected (Mets 2010, Rendtoff 2 011). Two additional individuals with autosomal recessive Wolfram syndrome were reported with the p.Ala684Val variant, one of whom also had a second pathogenic variant in WFS1 (Tessa 2001, Aloi 2012). In addition, in vitro expression studie s suggest that the p.Ala684Val variant may impact normal expression of WFS1 (Ren dtorff 2011). Furthermore, this variant is reported in the ClinVar database as a pathogenic variant (Variation ID# 30556), and was absent in large population st udies. In summary, this variant meets criteria to be classified as pathogenic fo r both autosomal recessive Wolfram syndrome and autosomal dominant Wolfram-like syndrome based upon reported familial cases, absence from controls, and function al evidence.

Genomic Diagnostic Laboratory, Division of Genomic Diagnostics, Children's Hospital of Philadelphia
Classification: Pathogenic. Last evaluated: 2015-02-05. Review status: criteria provided, single submitter. Criteria: DGD Variant Analysis Guidelines. Collection method: clinical testing. Allele origin: unknown.